The following is an entry in ClinVar:

NM_000051.4(ATM):c.6270delinsTT (p.Trp2091fs)

Genes: ATM (ATM serine/threonine kinase; plus strand), C11orf65 (chromosome 11 open reading frame 65; minus strand). Cytogenetic location: 11q22.3.
Variant type: Indel.
Coding change: c.6270delinsTT on transcript NM_000051.4 (MANE Select); coding-DNA position 6270, C replaced by TT.
Protein change: p.Trp2091fs; shifts the reading frame from tryptophan 2091.
Molecular consequence: frameshift variant. On other transcripts: intron variant (2).
Genome position (GRCh38, 1-based): chr11:108,317,444, C replaced by TT. VCF-style: chr11-108317444-C-TT. GRCh37 (hg19) VCF-style: chr11-108188171-C-TT.
Other names: c.*39-8373delinsAA (NM_001351110.2); c.6270delinsTT, p.Trp2091fs (NM_001351834.2); c.641-8373delinsAA (NM_001330368.2); short protein forms W2091fs.
Identifiers: ClinVar variation 481254 (VCV000481254.7), dbSNP rs1555114702, ClinGen allele CA658656207.

ClinVar aggregate classification (germline): Pathogenic (1 of 4 stars; one submission).

Conditions:
Hereditary cancer-predisposing syndrome. Also called: Neoplastic Syndromes, Hereditary; Hereditary Cancer Syndrome; Tumor predisposition; Hereditary neoplastic syndrome. Identifiers: Orphanet 140162, MedGen C0027672, MeSH D009386, MONDO:0015356.

Submission:

Ambry Genetics
Classification: Pathogenic for Hereditary cancer-predisposing syndrome. Last evaluated: 2016-06-01. Review status: criteria provided, single submitter. Criteria: Ambry Variant Classification Scheme 2023. Collection method: clinical testing. Allele origin: germline.
Comment: The c.6270delCinsTT pathogenic mutation, located in coding exon 42 of the ATM gene, results from the deletion of one nucleotide and insertion of two nucleotides causing a translational frameshift with a predicted alternate stop codon. Since frameshifts are typically deleterious in nature, this alteration is interpreted as a disease-causing mutation (ACMG Recommendations for Standards for Interpretation and Reporting of Sequence Variations. Revision 2007. Genet Med. 2008;10:294).